The following is an entry in ClinVar:

NM_006031.6(PCNT):c.8812G>A (p.Val2938Met)

Gene: PCNT (pericentrin; plus strand). Cytogenetic location: 21q22.3.
Variant type: single nucleotide variant.
Coding change: c.8812G>A on transcript NM_006031.6 (MANE Select); coding-DNA position 8812, G replaced by A.
Protein change: p.Val2938Met; replaces valine 2938 with methionine.
Molecular consequence: missense variant.
Genome position (GRCh38, 1-based): chr21:46,435,964, G>A. VCF-style: chr21-46435964-G-A. GRCh37 (hg19) VCF-style: chr21-47855877-G-A.
Other names: c.8221G>A, p.Val2741Met (NM_001315529.2); short protein forms V2741M, V2938M.
Identifiers: ClinVar variation 2443204 (VCV002443204.4), dbSNP rs748305573, ClinGen allele CA10081093.
Genomic context (GRCh38, chr21:46,435,964, plus strand): 5'-CGAGAATTAGAACTGCAGCGTCAGCGTGACTTGCATAAGATCAAGCAGCTTCAGCAGACA[G>A]TGAGAGACCTGGAGTCGAAGGACGAGGTGCCTGGCAGCCGCCTCCACCTAGGTTCTGCCC-3'
Protein context (NP_006022.3, residues 2928-2948): LHKIKQLQQT[Val2938Met]RDLESKDEVP

ClinVar aggregate classification (germline): Uncertain significance. Review status: criteria provided, multiple submitters, no conflicts (2 of 4 stars). 4 submissions from 4 submitters: Uncertain significance (2). 2 of the submissions do not count toward it. Last evaluated 2025-08-07.

Conditions:
Microcephalic osteodysplastic primordial dwarfism type II (MOPD2). Also called: Microcephalic osteodysplastic primordial dwarfism with tooth abnormalities; MOPD II; OSTEODYSPLASTIC PRIMORDIAL DWARFISM, TYPE II. Identifiers: Orphanet 2637, MedGen C0432246, MONDO:0008872, OMIM 210720.
PCNT-related disorder. Also called: PCNT-related condition.

Allele frequency attached by ClinVar (database versions not stated): gnomAD 0.00002; ExAC 0.00003.
gnomAD v4.1: 69 of 1,614,080 alleles (0.0043%); highest among the groups gnomAD compares: South Asian, 0.066%; no homozygotes.

Submissions (4):

Labcorp Genetics (formerly Invitae), Labcorp
Classification: Uncertain significance. Last evaluated: 2025-08-07. Review status: criteria provided, single submitter. Criteria: Invitae Variant Classification Sherloc (09022015). Collection method: clinical testing. Allele origin: germline.
Comment: This sequence change replaces valine, which is neutral and non-polar, with methionine, which is neutral and non-polar, at codon 2938 of the PCNT protein (p.Val2938Met). This variant is present in population databases (rs748305573, gnomAD 0.04%). This variant has not been reported in the literature in individuals affected with PCNT-related conditions. ClinVar contains an entry for this variant (Variation ID: 2443204). An algorithm developed to predict the effect of missense changes on protein structure and function outputs the following: PolyPhen-2: "Possibly Damaging". The methionine amino acid residue is found in multiple mammalian species, which suggests that this missense change does not adversely affect protein function. In summary, the available evidence is currently insufficient to determine the role of this variant in disease. Therefore, it has been classified as a Variant of Uncertain Significance.

Neuberg Centre For Genomic Medicine, NCGM
Classification: Uncertain significance for Microcephalic osteodysplastic primordial dwarfism type II. Review status: criteria provided, single submitter. Criteria: ACMG Guidelines, 2015. Collection method: clinical testing. Allele origin: germline. Inheritance: Autosomal recessive inheritance. Affected: yes.
Comment: The missense variant c.8812G>A (p.Val2938Met) in PCNT gene has not been reported previously as a pathogenic variant nor as a benign variant, to our knowledge. The p.Val2938Met variant is novel (not in any individuals) in 1000 Genomes and allele frequency of 0.005973% is reported in gnomAD. The amino acid Val at position 2938 is changed to a Met changing protein sequence and it might alter its composition and physico-chemical properties. The variant is predicted to be damaging by SIFT and the residue is variable across species. The amino acid change p.Val2938Met in PCNT is predicted as conserved by PhyloP across 100 vertebrates. For these reasons, this variant has been classified as Uncertain Significance .

PreventionGenetics, part of Exact Sciences
Classification: Uncertain significance for PCNT-related condition. Last evaluated: 2024-04-10. Review status: no assertion criteria provided. Collection method: clinical testing. Allele origin: germline. Not counted in ClinVar's aggregate classification.
Comment: The PCNT c.8812G>A variant is predicted to result in the amino acid substitution p.Val2938Met. To our knowledge, this variant has not been reported in the literature. This variant is reported in 0.046% of alleles in individuals of South Asian descent in gnomAD. At this time, the clinical significance of this variant is uncertain due to the absence of conclusive functional and genetic evidence.

Genetic Services Laboratory, University of Chicago
Classification: Uncertain significance. Last evaluated: 2022-09-21. Review status: no assertion criteria provided. Collection method: clinical testing. Allele origin: germline. Affected: no. Not counted in ClinVar's aggregate classification.
Comment: DNA sequence analysis of the PCNT gene demonstrated a sequence change, c.8812G>A, in exon 39 that results in an amino acid change, p.Val2938Met. This sequence change does not appear to have been previously described in individuals with PCNT-related disorders. This sequence change has been described in the gnomAD database with a frequency of 0.046% in the South Asian subpopulation (dbSNP rs748305573). The p.Val2938Met change affects a moderately conserved amino acid residue located in a domain of the PCNT protein that is not known to be functional. In-silico pathogenicity prediction tools (SIFT, PolyPhen2, Align GVGD, REVEL) provide contradictory results for the p.Val2938Met substitution. Due to insufficient evidences and the lack of functional studies, the clinical significance of the p.Val2938Met change remains unknown at this time. Biallelic pathogenic variants in PCNT have been identified in individuals with microcephalic osteodysplastic primordial dwarfism type II [OMIM#210720]. To date, the vast majority of pathogenic variants identified in PCNT have been protein-truncating.